The following is an entry in ClinVar:

NM_004946.3(DOCK2):c.4991A>C (p.Glu1664Ala)

Gene: DOCK2 (dedicator of cytokinesis 2; plus strand). Cytogenetic location: 5q35.1.
Variant type: single nucleotide variant.
Coding change: c.4991A>C on transcript NM_004946.3 (MANE Select); coding-DNA position 4991, A replaced by C.
Protein change: p.Glu1664Ala; replaces glutamic acid 1664 with alanine.
Molecular consequence: missense variant. On other transcripts: non-coding transcript variant (1).
Genome position (GRCh38, 1-based): chr5:170,077,834, A>C. VCF-style: chr5-170077834-A-C. GRCh37 (hg19) VCF-style: chr5-169504838-A-C.
Other names: short protein forms E1664A.
Identifiers: ClinVar variation 1472735 (VCV001472735.8), dbSNP rs1757889297, ClinGen allele CA362115945.

ClinVar aggregate classification (germline): Uncertain significance (1 of 4 stars; one submission).

Conditions:
DOCK2 deficiency. Also called: Immunodeficiency 40. Identifiers: Orphanet 447737, MedGen C4225328, MONDO:0014637, OMIM 616433.

Allele frequency attached by ClinVar (database versions not stated): gnomAD exomes below 0.00001.
gnomAD v4.1: 2 of 1,612,710 alleles (0.00012%); highest among the groups gnomAD compares: Non-Finnish European, 0.00017%; no homozygotes.

Submission:

Labcorp Genetics (formerly Invitae), Labcorp
Classification: Uncertain significance for DOCK2 deficiency. Last evaluated: 2021-05-16. Review status: criteria provided, single submitter. Criteria: Invitae Variant Classification Sherloc (09022015). Collection method: clinical testing. Allele origin: germline.
Comment: In summary, the available evidence is currently insufficient to determine the role of this variant in disease. Therefore, it has been classified as a Variant of Uncertain Significance. Algorithms developed to predict the effect of missense changes on protein structure and function (SIFT, PolyPhen-2, Align-GVGD) all suggest that this variant is likely to be tolerated, but these predictions have not been confirmed by published functional studies and their clinical significance is uncertain. This variant has not been reported in the literature in individuals with DOCK2-related conditions. This variant is not present in population databases (ExAC no frequency). This sequence change replaces glutamic acid with alanine at codon 1664 of the DOCK2 protein (p.Glu1664Ala). The glutamic acid residue is moderately conserved and there is a moderate physicochemical difference between glutamic acid and alanine.